The following is an entry in ClinVar:

ClinVar aggregate classification (germline): Uncertain significance (1 of 4 stars; one submission).

Allele frequency attached by ClinVar (database versions not stated): gnomAD exomes below 0.00001; ExAC 0.00001; gnomAD 0.00001 and 0.00002; TOPMed 0.00002.
gnomAD v4.1: 6 of 1,613,812 alleles (0.00037%); highest among the groups gnomAD compares: African/African-American, 0.0067%; no homozygotes.

Submission:

Labcorp Genetics (formerly Invitae), Labcorp
Classification: Uncertain significance. Last evaluated: 2023-10-25. Review status: criteria provided, single submitter. Criteria: Invitae Variant Classification Sherloc (09022015). Collection method: clinical testing. Allele origin: germline.
Comment: This sequence change replaces aspartic acid, which is acidic and polar, with glutamic acid, which is acidic and polar, at codon 159 of the SAG protein (p.Asp159Glu). This variant is present in population databases (rs760833904, gnomAD 0.007%). This variant has not been reported in the literature in individuals affected with SAG-related conditions. ClinVar contains an entry for this variant (Variation ID: 964998). Advanced modeling of protein sequence and biophysical properties (such as structural, functional, and spatial information, amino acid conservation, physicochemical variation, residue mobility, and thermodynamic stability) performed at Invitae indicates that this missense variant is not expected to disrupt SAG protein function with a negative predictive value of 80%. In summary, the available evidence is currently insufficient to determine the role of this variant in disease. Therefore, it has been classified as a Variant of Uncertain Significance.

NM_000541.5(SAG):c.477C>A (p.Asp159Glu)

Gene: SAG (S-antigen visual arrestin; plus strand). Cytogenetic location: 2q37.1.
Variant type: single nucleotide variant.
Coding change: c.477C>A on transcript NM_000541.5 (MANE Select); coding-DNA position 477, C replaced by A.
Protein change: p.Asp159Glu; replaces aspartic acid 159 with glutamic acid.
Molecular consequence: missense variant.
Genome position (GRCh38, 1-based): chr2:233,327,162, C>A. VCF-style: chr2-233327162-C-A. GRCh37 (hg19) VCF-style: chr2-234235808-C-A.
Other names: short protein forms D159E.
Identifiers: ClinVar variation 964998 (VCV000964998.9), dbSNP rs760833904, ClinGen allele CA2174392.